The following is an entry in ClinVar:

NM_001244008.2(KIF1A):c.3415C>G (p.Leu1139Val)

Gene: KIF1A (kinesin family member 1A; minus strand). Cytogenetic location: 2q37.3.
Variant type: single nucleotide variant.
Coding change: c.3415C>G on transcript NM_001244008.2 (MANE Select); coding-DNA position 3415, C replaced by G.
Protein change: p.Leu1139Val; replaces leucine 1139 with valine.
Molecular consequence: missense variant.
Genome position (GRCh38, 1-based): chr2:240,745,477, G>C on the plus strand (C>G on the coding strand, the complement: KIF1A is on the minus strand). VCF-style: chr2-240745477-G-C. GRCh37 (hg19) VCF-style: chr2-241684894-G-C.
Other names: c.3139C>G, p.Leu1047Val (NM_001320705.2, NM_001330289.2, NM_001379638.1); c.3214C>G, p.Leu1072Val (NM_001330290.2, NM_001379634.1, NM_001379635.1 and 1 more transcripts); c.3490C>G, p.Leu1164Val (NM_001379631.1); c.3364C>G, p.Leu1122Val (NM_001379632.1); c.3388C>G, p.Leu1130Val (NM_001379633.1, NM_001379642.1, NM_001379645.1); c.3112C>G, p.Leu1038Val (NM_001379636.1, NM_001379639.1, NM_001379641.1 and 6 more transcripts); c.3187C>G, p.Leu1063Val (NM_001379637.1, NM_001379648.1); c.3109C>G, p.Leu1037Val (NM_001379640.1); short protein forms L1037V, L1038V, L1047V, L1063V, L1072V, L1122V, L1130V, L1139V.
Identifiers: ClinVar variation 2416227 (VCV002416227.8), dbSNP rs2048479552, ClinGen allele CA351317425.

ClinVar aggregate classification (germline): Uncertain significance (1 of 4 stars; one submission).

Conditions:
Neuropathy, hereditary sensory, type 2C. Also called: KIF1A-Related HSAN2 (HSAN2C); Hereditary sensory and autonomic neuropathy type IIC. Identifiers: Orphanet 970, MedGen C3280168, MONDO:0013634, OMIM 614213.
Intellectual disability, autosomal dominant 9 (NESCAVS). Also called: NESCAV SYNDROME; KIF1A-Related Neurodevelopmental Disorder. Identifiers: Orphanet 662367, MedGen C5393830, MONDO:0013656, OMIM 614255.
Hereditary spastic paraplegia 30. Identifiers: Orphanet 101010, MedGen C5235139, MONDO:0012476.

Allele frequency attached by ClinVar (database versions not stated): TOPMed below 0.00001.

Submission:

Labcorp Genetics (formerly Invitae), Labcorp
Classification: Uncertain significance for Hereditary spastic paraplegia 30; Neuropathy, hereditary sensory, type 2C; Intellectual disability, autosomal dominant 9. Last evaluated: 2022-11-08. Review status: criteria provided, single submitter. Criteria: Invitae Variant Classification Sherloc (09022015). Collection method: clinical testing. Allele origin: germline.
Comment: In summary, the available evidence is currently insufficient to determine the role of this variant in disease. Therefore, it has been classified as a Variant of Uncertain Significance. Advanced modeling of protein sequence and biophysical properties (such as structural, functional, and spatial information, amino acid conservation, physicochemical variation, residue mobility, and thermodynamic stability) performed at Invitae indicates that this missense variant is not expected to disrupt KIF1A protein function. This variant has not been reported in the literature in individuals affected with KIF1A-related conditions. This variant is not present in population databases (gnomAD no frequency). This sequence change replaces leucine, which is neutral and non-polar, with valine, which is neutral and non-polar, at codon 1038 of the KIF1A protein (p.Leu1038Val).